The following is an entry in ClinVar:

NM_001384140.1(PCDH15):c.595-101G>A

Gene: PCDH15 (protocadherin related 15; minus strand). Cytogenetic location: 10q21.1.
Variant type: single nucleotide variant.
Coding change: c.595-101G>A on transcript NM_001384140.1 (MANE Select); 101 bases into the intron before coding-DNA position 595, G replaced by A.
Molecular consequence: intron variant.
Genome position (GRCh38, 1-based): chr10:54,329,807, C>T on the plus strand (G>A on the coding strand, the complement: PCDH15 is on the minus strand). VCF-style: chr10-54329807-C-T. GRCh37 (hg19) VCF-style: chr10-56089567-C-T.
Other names: c.595-101G>A (NM_001354420.2, NM_001354429.2, NM_001142772.2 and 7 more transcripts); c.610-101G>A (NM_001142771.2, NM_001142769.3, NM_001142763.2); c.529-101G>A (NM_001354404.2, NM_001142773.2, NM_001142768.2); c.595-12366G>A (NM_001142767.2).
Identifiers: ClinVar variation 678874 (VCV000678874.2), dbSNP rs7342012, ClinGen allele CA207582304.

ClinVar aggregate classification (germline): Benign. Review status: criteria provided, multiple submitters, no conflicts (2 of 4 stars). 2 submissions from 2 submitters: Benign (2). Last evaluated 2018-06-14.

Allele frequency attached by ClinVar (database versions not stated): 1000 Genomes Project 30x 0.10306; gnomAD 0.11238 and 0.11116; 1000 Genomes Project 0.09904; gnomAD exomes 0.11013; TOPMed 0.10479.
gnomAD v4.1: 87,834 of 793,134 alleles (11%); highest among the groups gnomAD compares: Middle Eastern, 21%; 5,696 homozygotes.

Submissions (2):

GeneDx
Classification: Benign. Last evaluated: 2018-06-14. Review status: criteria provided, single submitter. Criteria: GeneDx Variant Classification (06012015). Collection method: clinical testing. Allele origin: germline. Affected: yes.
Comment: This variant is considered likely benign or benign based on one or more of the following criteria: it is a conservative change, it occurs at a poorly conserved position in the protein, it is predicted to be benign by multiple in silico algorithms, and/or has population frequency not consistent with disease.

Breakthrough Genomics
Classification: Benign. Review status: criteria provided, single submitter. Criteria: ACMG Guidelines, 2015. Collection method: not provided. Allele origin: germline. Inheritance: Autosomal recessive inheritance. Affected: yes.